The following is an entry in ClinVar:

ClinVar aggregate classification (germline): Uncertain significance. Review status: criteria provided, multiple submitters, no conflicts (2 of 4 stars). 2 submissions from 2 submitters: Uncertain significance (2). Last evaluated 2025-03-20.

Conditions:
Inborn genetic diseases. Identifiers: MedGen C0950123, MeSH D030342.

Allele frequency attached by ClinVar (database versions not stated): gnomAD 0.00007; gnomAD exomes 0.00006 and 0.00021; TOPMed 0.00012; ExAC 0.00004; ESP Exome Variant Server 0.00031.
gnomAD v4.1: 308 of 1,613,486 alleles (0.019%); highest among the groups gnomAD compares: Non-Finnish European, 0.025%; no homozygotes.

Submissions (2):

Ambry Genetics
Classification: Uncertain significance for Inborn genetic diseases. Last evaluated: 2025-03-20. Review status: criteria provided, single submitter. Criteria: Ambry Variant Classification Scheme 2023. Collection method: clinical testing. Allele origin: germline.

Labcorp Genetics (formerly Invitae), Labcorp
Classification: Uncertain significance. Last evaluated: 2022-07-06. Review status: criteria provided, single submitter. Criteria: Invitae Variant Classification Sherloc (09022015). Collection method: clinical testing. Allele origin: germline.
Comment: This sequence change replaces glycine, which is neutral and non-polar, with valine, which is neutral and non-polar, at codon 891 of the C6 protein (p.Gly891Val). This variant is present in population databases (rs147238267, gnomAD 0.01%). This variant has not been reported in the literature in individuals affected with C6-related conditions. ClinVar contains an entry for this variant (Variation ID: 1388490). Algorithms developed to predict the effect of missense changes on protein structure and function are either unavailable or do not agree on the potential impact of this missense change (SIFT: "Deleterious"; PolyPhen-2: "Benign"; Align-GVGD: "Class C0"). Algorithms developed to predict the effect of sequence changes on RNA splicing suggest that this variant may create or strengthen a splice site. In summary, the available evidence is currently insufficient to determine the role of this variant in disease. Therefore, it has been classified as a Variant of Uncertain Significance.

NM_000065.5(C6):c.2672G>T (p.Gly891Val)

Gene: C6 (complement C6; minus strand). Cytogenetic location: 5p13.1.
Variant type: single nucleotide variant.
Coding change: c.2672G>T on transcript NM_000065.5 (MANE Select); coding-DNA position 2672, G replaced by T.
Protein change: p.Gly891Val; replaces glycine 891 with valine.
Molecular consequence: missense variant.
Genome position (GRCh38, 1-based): chr5:41,142,958, C>A on the plus strand (G>T on the coding strand, the complement: C6 is on the minus strand). VCF-style: chr5-41142958-C-A. GRCh37 (hg19) VCF-style: chr5-41143060-C-A.
Other names: c.2672G>T, p.Gly891Val (NM_001115131.4); c.2672G>T (NM_000065.2); short protein forms G891V.
Identifiers: ClinVar variation 1388490 (VCV001388490.6), dbSNP rs147238267, ClinGen allele CA3252039.
Genomic context (GRCh38, chr5:41,142,958, plus strand): 5'-ATGTTCAATGTTTTCTCACTTGTTGATGATCCCATTTTGACACAGTAGAGTTGGTTTCCA[C>A]CCTTGAAGCACTGTGGGGGCAATAGGCAGACACATTTGGAAGTGGAGGCTGTAATGAGAG-3'
Protein context (NP_000056.2, residues 881-901): VCLLPPQCFK[Gly891Val]GNQLYCVKMG